The following is an entry in ClinVar:

NM_018127.7(ELAC2):c.1560A>G (p.Thr520=)

Gene: ELAC2 (elaC ribonuclease Z 2; minus strand). Cytogenetic location: 17p12.
Variant type: single nucleotide variant.
Coding change: c.1560A>G on transcript NM_018127.7 (MANE Select); coding-DNA position 1560, A replaced by G.
Protein change: p.Thr520=; no amino-acid change (threonine 520 retained).
Molecular consequence: synonymous variant.
Genome position (GRCh38, 1-based): chr17:12,996,646, T>C on the plus strand (A>G on the coding strand, the complement: ELAC2 is on the minus strand). VCF-style: chr17-12996646-T-C. GRCh37 (hg19) VCF-style: chr17-12899963-T-C.
Other names: c.1440A>G, p.Thr480= (NM_001165962.2); c.1557A>G, p.Thr519= (NM_173717.2); c.1440A>G (NM_001165962.1).
Identifiers: ClinVar variation 379971 (VCV000379971.18), dbSNP rs11545302, ClinGen allele CA8401152.
Genomic context (GRCh38, chr17:12,996,646, plus strand): 5'-AGCCAGGGTGCCCAGGACCCTGTCCACCTGGTCTCCGTAATGACGGCACAGCTGCCCAAA[T>C]GTGCCCTCACCACAGTCCAGTAGCAGAGACGTGTCGGGGCTGCAGAAGAGAAGAGGAAGA-3'
Protein context (NP_060597.4, residues 510-530): TSLLLDCGEG[Thr520=]FGQLCRHYGD

ClinVar aggregate classification (germline): Benign. Review status: criteria provided, multiple submitters, no conflicts (2 of 4 stars). 7 submissions from 7 submitters: Benign (6). 1 of the submissions does not count toward it. Last evaluated 2026-02-04.

Conditions:
Combined oxidative phosphorylation defect type 17. Also called: Combined oxidative phosphorylation deficiency 17. Identifiers: Orphanet 369913, MedGen C3809526, MONDO:0014190, OMIM 615440.
Prostate cancer, hereditary, 2 (HPC2). Identifiers: Orphanet 1331, MedGen C3539120, MONDO:0013872, OMIM 614731.

Allele frequency attached by ClinVar (database versions not stated): 1000 Genomes Project 0.20727; 1000 Genomes Project 30x 0.21299; TOPMed 0.25985; ESP Exome Variant Server 0.26988.
gnomAD v4.1: 464,635 of 1,613,436 alleles (29%); highest among the groups gnomAD compares: Middle Eastern, 34%; 69,326 homozygotes.

Submissions (7):

Labcorp Genetics (formerly Invitae), Labcorp
Classification: Benign for Combined oxidative phosphorylation defect type 17. Last evaluated: 2026-02-04. Review status: criteria provided, single submitter. Criteria: Invitae Variant Classification Sherloc (09022015). Collection method: clinical testing. Allele origin: germline.

Blueprint Genetics
Classification: Benign. Last evaluated: 2024-11-28. Review status: criteria provided, single submitter. Criteria: ACMG Guidelines, 2015. Collection method: clinical testing. Allele origin: germline.

KCCC/NGS Laboratory, Kuwait Cancer Control Center
Classification: Benign for Prostate cancer, hereditary, 2. Last evaluated: 2023-07-07. Review status: criteria provided, single submitter. Criteria: ACMG Guidelines, 2015. Collection method: clinical testing. Allele origin: germline. Affected: yes.

Genome-Nilou Lab
Classification: Benign for Combined oxidative phosphorylation defect type 17. Last evaluated: 2021-07-30. Review status: criteria provided, single submitter. Criteria: ACMG Guidelines, 2015. Collection method: clinical testing. Allele origin: germline. Affected: no.

GeneDx
Classification: Benign. Last evaluated: 2015-12-02. Review status: criteria provided, single submitter. Criteria: GeneDx Variant Classification (06012015). Collection method: clinical testing. Allele origin: germline. Affected: yes.
Comment: This variant is considered likely benign or benign based on one or more of the following criteria: it is a conservative change, it occurs at a poorly conserved position in the protein, it is predicted to be benign by multiple in silico algorithms, and/or has population frequency not consistent with disease.

Breakthrough Genomics
Classification: Benign. Review status: criteria provided, single submitter. Criteria: ACMG Guidelines, 2015. Collection method: not provided. Allele origin: germline. Inheritance: Autosomal recessive inheritance. Affected: yes.

Mayo Clinic Laboratories, Mayo Clinic
Classification: Benign. Last evaluated: 2016-02-15. Review status: no assertion criteria provided. Collection method: clinical testing. Allele origin: unknown. Not counted in ClinVar's aggregate classification.